The following is an entry in ClinVar:

NM_000875.5(IGF1R):c.47T>A (p.Leu16His)

Genes: IGF1R (insulin like growth factor 1 receptor; plus strand), IRAIN (IGF1R antisense imprinted non-protein coding RNA; minus strand). Cytogenetic location: 15q26.3.
Variant type: single nucleotide variant.
Coding change: c.47T>A on transcript NM_000875.5 (MANE Select); coding-DNA position 47, T replaced by A.
Protein change: p.Leu16His; replaces leucine 16 with histidine.
Molecular consequence: missense variant. On other transcripts: non-coding transcript variant (1).
Genome position (GRCh38, 1-based): chr15:98,649,628, T>A. VCF-style: chr15-98649628-T-A. GRCh37 (hg19) VCF-style: chr15-99192857-T-A.
Other names: c.47T>A, p.Leu16His (NM_001291858.2); short protein forms L16H.
Identifiers: ClinVar variation 3664141 (VCV003664141.2).

ClinVar aggregate classification (germline): Uncertain significance (1 of 4 stars; one submission).

Submission:

Labcorp Genetics (formerly Invitae), Labcorp
Classification: Uncertain significance. Last evaluated: 2025-06-09. Review status: criteria provided, single submitter. Criteria: Invitae Variant Classification Sherloc (09022015). Collection method: clinical testing. Allele origin: germline.
Comment: This sequence change replaces leucine, which is neutral and non-polar, with histidine, which is basic and polar, at codon 16 of the IGF1R protein (p.Leu16His). This variant is not present in population databases (gnomAD no frequency). This variant has not been reported in the literature in individuals affected with IGF1R-related conditions. ClinVar contains an entry for this variant (Variation ID: 3664141). An algorithm developed to predict the effect of missense changes on protein structure and function (PolyPhen-2) suggests that this variant is likely to be disruptive. In summary, the available evidence is currently insufficient to determine the role of this variant in disease. Therefore, it has been classified as a Variant of Uncertain Significance.